The following is an entry in ClinVar:

ClinVar aggregate classification (germline): Pathogenic (1 of 4 stars; one submission).

Submission:

Labcorp Genetics (formerly Invitae), Labcorp
Classification: Pathogenic. Last evaluated: 2022-07-15. Review status: criteria provided, single submitter. Criteria: Invitae Variant Classification Sherloc (09022015). Collection method: clinical testing. Allele origin: germline.
Comment: For these reasons, this variant has been classified as Pathogenic. This variant disrupts the p.Cys1155 amino acid residue in KMT2A. Other variant(s) that disrupt this residue have been determined to be pathogenic (PMID: 25724810, 27441994). This suggests that this residue is clinically significant, and that variants that disrupt this residue are likely to be disease-causing. Advanced modeling of protein sequence and biophysical properties (such as structural, functional, and spatial information, amino acid conservation, physicochemical variation, residue mobility, and thermodynamic stability) performed at Invitae indicates that this missense variant is expected to disrupt KMT2A protein function. This missense change has been observed in individual(s) with clinical features of KMT2A-related conditions (Invitae). In at least one individual the variant was observed to be de novo. This sequence change replaces cysteine, which is neutral and slightly polar, with phenylalanine, which is neutral and non-polar, at codon 1155 of the KMT2A protein (p.Cys1155Phe). This variant is not present in population databases (gnomAD no frequency).

Literature cited by the submitters: PubMed 25724810; PubMed 27441994.

NM_001197104.2(KMT2A):c.3464G>T (p.Cys1155Phe)

Gene: KMT2A (lysine methyltransferase 2A; plus strand). Cytogenetic location: 11q23.3.
Variant type: single nucleotide variant.
Coding change: c.3464G>T on transcript NM_001197104.2 (MANE Select); coding-DNA position 3464, G replaced by T.
Protein change: p.Cys1155Phe; replaces cysteine 1155 with phenylalanine.
Molecular consequence: missense variant.
Genome position (GRCh38, 1-based): chr11:118,478,096, G>T. VCF-style: chr11-118478096-G-T. GRCh37 (hg19) VCF-style: chr11-118348811-G-T.
Other names: c.3563G>T, p.Cys1188Phe (NM_001412597.1); c.3464G>T, p.Cys1155Phe (NM_005933.4); short protein forms C1155F, C1188F.
Identifiers: ClinVar variation 2002409 (VCV002002409.4), dbSNP rs1057518074, ClinGen allele CA382824792.
Genomic context (GRCh38, chr11:118,478,096, plus strand): 5'-TCACTAGAAACAAGGCACCCCAGGAACCTCCAGTAAAGAAAGGACGTCGATCGAGGCGGT[G>T]TGGGCAGTGTCCCGGCTGCCAGGTGCCTGAGGACTGTGGTGTTTGTACTAATTGCTTAGA-3'
Protein context (NP_001184033.1, residues 1145-1165): PVKKGRRSRR[Cys1155Phe]GQCPGCQVPE